The following is an entry in ClinVar:

ClinVar aggregate classification (germline): Uncertain significance (1 of 4 stars; one submission).

Conditions:
Hereditary cancer-predisposing syndrome. Also called: Tumor predisposition; Hereditary neoplastic syndrome; Neoplastic Syndromes, Hereditary; Hereditary Cancer Syndrome. Identifiers: Orphanet 140162, MedGen C0027672, MeSH D009386, MONDO:0015356.

gnomAD v4.1: 4 of 1,613,912 alleles (0.00025%); highest among the groups gnomAD compares: Non-Finnish European, 0.00034%; no homozygotes.

Submission:

Ambry Genetics
Classification: Uncertain significance for Hereditary cancer-predisposing syndrome. Last evaluated: 2025-05-18. Review status: criteria provided, single submitter. Criteria: Ambry Variant Classification Scheme 2023. Collection method: clinical testing. Allele origin: germline.
Comment: The p.D220H variant (also known as c.658G>C), located in coding exon 3 of the XRCC2 gene, results from a G to C substitution at nucleotide position 658. The aspartic acid at codon 220 is replaced by histidine, an amino acid with similar properties. This amino acid position is conserved. In addition, this alteration is predicted to be tolerated by in silico analysis. Based on the available evidence, the clinical significance of this variant remains unclear.

NM_005431.2(XRCC2):c.658G>C (p.Asp220His)

Gene: XRCC2 (X-ray repair cross complementing 2; minus strand). Cytogenetic location: 7q36.1.
Variant type: single nucleotide variant.
Coding change: c.658G>C on transcript NM_005431.2 (MANE Select); coding-DNA position 658, G replaced by C.
Protein change: p.Asp220His; replaces aspartic acid 220 with histidine.
Molecular consequence: missense variant.
Genome position (GRCh38, 1-based): chr7:152,648,827, C>G on the plus strand (G>C on the coding strand, the complement: XRCC2 is on the minus strand). VCF-style: chr7-152648827-C-G. GRCh37 (hg19) VCF-style: chr7-152345912-C-G.
Other names: short protein forms D220H.
Identifiers: ClinVar variation 3982916 (VCV003982916.1).